The following is an entry in ClinVar:

NM_000349.3(STAR):c.263del (p.Gly88fs)

Gene: STAR (steroidogenic acute regulatory protein; minus strand). Cytogenetic location: 8p11.23.
Variant type: Deletion.
Coding change: c.263del on transcript NM_000349.3 (MANE Select); coding-DNA position 263, one base deleted (G; older notation c.263delG).
Protein change: p.Gly88fs; shifts the reading frame from glycine 88.
Molecular consequence: frameshift variant.
Genome position (GRCh38, 1-based): chr8:38,148,243, C deleted on the plus strand (G on the coding strand, the reverse complement: STAR is on the minus strand); the first of 3 consecutive C bases (chr8:38,148,243-38,148,245); deleting any one gives the same sequence. VCF-style (leftmost placement, unchanged base first): chr8-38148242-GC-G. GRCh37 (hg19) VCF-style: chr8-38005760-GC-G.
Other names: short protein forms G88fs.
Identifiers: ClinVar variation 5016116 (VCV005016116.1).

ClinVar aggregate classification (germline): Pathogenic (1 of 4 stars; one submission).

Conditions:
Congenital lipoid adrenal hyperplasia due to STAR deficency. Also called: Lipoid adrenal hyperplasia; ADRENAL HYPERPLASIA I; Cholesterol monooxygenase (side-chain cleaving) deficiency; Congenital Lipoid Adrenal Hyperplasia. Identifiers: Orphanet 418, Orphanet 90790, MedGen C0342474, MONDO:0008725, OMIM 201710.

Submission:

Myriad Genetics, Inc.
Classification: Pathogenic for Congenital lipoid adrenal hyperplasia due to STAR deficency. Last evaluated: 2026-07-09. Review status: criteria provided, single submitter. Criteria: Myriad Autosomal Dominant, Autosomal Recessive and X-Linked Classification Criteria (2023). Collection method: clinical testing. Allele origin: unknown.
Comment: NM_000349.2(STAR):c.263delG(G88Afs*21) is expected to be pathogenic in the context of lipoid congenital adrenal hyperplasia. This variant is predicted to lead to an abnormal or absent protein product due to the creation of a premature termination codon in STAR, a gene where loss-of-function variants are known to be pathogenic. Please note: this variant was assessed in the context of healthy population screening.